The following is an entry in ClinVar:

ClinVar aggregate classification (germline): Uncertain significance (1 of 4 stars; one submission).

Conditions:
Neuronal ceroid lipofuscinosis 1 (CLN1). Also called: PPT1-Related Neuronal Ceroid-Lipofuscinosis; CEROID LIPOFUSCINOSIS, NEURONAL, 1, VARIABLE AGE AT ONSET. Identifiers: Orphanet 228329, MedGen C1850451, MONDO:0009744, OMIM 256730.

Submission:

Labcorp Genetics (formerly Invitae), Labcorp
Classification: Uncertain significance for Neuronal ceroid lipofuscinosis 1. Last evaluated: 2024-12-16. Review status: criteria provided, single submitter. Criteria: Invitae Variant Classification Sherloc (09022015). Collection method: clinical testing. Allele origin: germline.
Comment: This sequence change replaces glutamine, which is neutral and polar, with glutamic acid, which is acidic and polar, at codon 144 of the PPT1 protein (p.Gln144Glu). This variant is not present in population databases (gnomAD no frequency). This variant has not been reported in the literature in individuals affected with PPT1-related conditions. ClinVar contains an entry for this variant (Variation ID: 2054934). Invitae Evidence Modeling of protein sequence and biophysical properties (such as structural, functional, and spatial information, amino acid conservation, physicochemical variation, residue mobility, and thermodynamic stability) indicates that this missense variant is expected to disrupt PPT1 protein function with a positive predictive value of 80%. In summary, the available evidence is currently insufficient to determine the role of this variant in disease. Therefore, it has been classified as a Variant of Uncertain Significance.

NM_000310.4(PPT1):c.430C>G (p.Gln144Glu)

Gene: PPT1 (palmitoyl-protein thioesterase 1; minus strand). Cytogenetic location: 1p34.2.
Variant type: single nucleotide variant.
Coding change: c.430C>G on transcript NM_000310.4 (MANE Select); coding-DNA position 430, C replaced by G.
Protein change: p.Gln144Glu; replaces glutamine 144 with glutamic acid.
Molecular consequence: missense variant. On other transcripts: intron variant (1).
Genome position (GRCh38, 1-based): chr1:40,091,332, G>C on the plus strand (C>G on the coding strand, the complement: PPT1 is on the minus strand). VCF-style: chr1-40091332-G-C. GRCh37 (hg19) VCF-style: chr1-40557004-G-C.
Other names: c.430C>G, p.Gln144Glu (NM_001363695.2); c.125-1820C>G (NM_001142604.2); short protein forms Q144E.
Identifiers: ClinVar variation 2054934 (VCV002054934.4), dbSNP rs2523683926, ClinGen allele CA339848803.